The following is an entry in ClinVar:

NM_173660.5(DOK7):c.971C>G (p.Pro324Arg)

Gene: DOK7 (docking protein 7; plus strand). Cytogenetic location: 4p16.3.
Variant type: single nucleotide variant.
Coding change: c.971C>G on transcript NM_173660.5 (MANE Select); coding-DNA position 971, C replaced by G.
Protein change: p.Pro324Arg; replaces proline 324 with arginine.
Molecular consequence: missense variant. On other transcripts: 3 prime UTR variant (1).
Genome position (GRCh38, 1-based): chr4:3,492,957, C>G. VCF-style: chr4-3492957-C-G. GRCh37 (hg19) VCF-style: chr4-3494684-C-G.
Other names: c.*192C>G (NM_001164673.2); c.41C>G, p.Pro14Arg (NM_001256896.2); c.971C>G, p.Pro324Arg (NM_001301071.2); c.539C>G, p.Pro180Arg (NM_001363811.2); short protein forms P14R, P180R, P324R.
Identifiers: ClinVar variation 2478038 (VCV002478038.4), dbSNP rs546889092, ClinGen allele CA356116551.

ClinVar aggregate classification (germline): Uncertain significance. Review status: criteria provided, multiple submitters, no conflicts (2 of 4 stars). 2 submissions from 2 submitters: Uncertain significance (2). Last evaluated 2025-10-08.

Conditions:
Inborn genetic diseases. Identifiers: MedGen C0950123, MeSH D030342.

Submissions (2):

Dasa
Classification: Uncertain significance. Last evaluated: 2025-10-08. Review status: criteria provided, single submitter. Criteria: DASA Assertion Criteria. Collection method: clinical testing. Allele origin: germline.
Comment: NM_173660.5(DOK7):c.971C>G (p.Pro324Arg) is a missense variant that results in the substitution of proline with arginine. This variant is absent from population databases. The currently available literature and clinical evidence are not sufficient to establish a definitive association between this variant and the reported condition. Therefore, this variant is classified as a variant of uncertain significance.

Ambry Genetics
Classification: Uncertain significance for Inborn genetic diseases. Last evaluated: 2023-01-23. Review status: criteria provided, single submitter. Criteria: Ambry Variant Classification Scheme 2023. Collection method: clinical testing. Allele origin: germline.